The following is an entry in ClinVar:

NM_020184.4(CNNM4):c.890C>G (p.Ala297Gly)

Gene: CNNM4 (cyclin and CBS domain divalent metal cation transport mediator 4; plus strand). Cytogenetic location: 2q11.2.
Variant type: single nucleotide variant.
Coding change: c.890C>G on transcript NM_020184.4 (MANE Select); coding-DNA position 890, C replaced by G.
Protein change: p.Ala297Gly; replaces alanine 297 with glycine.
Molecular consequence: missense variant.
Genome position (GRCh38, 1-based): chr2:96,761,889, C>G. VCF-style: chr2-96761889-C-G. GRCh37 (hg19) VCF-style: chr2-97427626-C-G.
Other names: c.890C>G (NM_020184.3); short protein forms A297G.
Identifiers: ClinVar variation 1491773 (VCV001491773.7), dbSNP rs2153341804, ClinGen allele CA347715364.

ClinVar aggregate classification (germline): Uncertain significance. Review status: criteria provided, multiple submitters, no conflicts (2 of 4 stars). 2 submissions from 2 submitters: Uncertain significance (2). Last evaluated 2025-12-09.

Conditions:
Inborn genetic diseases. Identifiers: MedGen C0950123, MeSH D030342.

Submissions (2):

Ambry Genetics
Classification: Uncertain significance for Inborn genetic diseases. Last evaluated: 2025-12-09. Review status: criteria provided, single submitter. Criteria: Ambry Variant Classification Scheme 2023. Collection method: clinical testing. Allele origin: germline.

Labcorp Genetics (formerly Invitae), Labcorp
Classification: Uncertain significance. Last evaluated: 2021-12-13. Review status: criteria provided, single submitter. Criteria: Invitae Variant Classification Sherloc (09022015). Collection method: clinical testing. Allele origin: germline.
Comment: In summary, the available evidence is currently insufficient to determine the role of this variant in disease. Therefore, it has been classified as a Variant of Uncertain Significance. Algorithms developed to predict the effect of sequence changes on RNA splicing suggest that this variant may create or strengthen a splice site. Algorithms developed to predict the effect of missense changes on protein structure and function are either unavailable or do not agree on the potential impact of this missense change (SIFT: "Tolerated"; PolyPhen-2: "Probably Damaging"; Align-GVGD: "Class C0"). This variant has not been reported in the literature in individuals affected with CNNM4-related conditions. This variant is not present in population databases (gnomAD no frequency). This sequence change replaces alanine, which is neutral and non-polar, with glycine, which is neutral and non-polar, at codon 297 of the CNNM4 protein (p.Ala297Gly).